The following is an entry in ClinVar:

ClinVar aggregate classification (germline): Uncertain significance (1 of 4 stars; one submission).

Conditions:
Hereditary cancer-predisposing syndrome. Also called: Tumor predisposition; Neoplastic Syndromes, Hereditary; Hereditary Cancer Syndrome; Hereditary neoplastic syndrome. Identifiers: Orphanet 140162, MedGen C0027672, MeSH D009386, MONDO:0015356.

Submission:

Ambry Genetics
Classification: Uncertain significance for Hereditary cancer-predisposing syndrome. Last evaluated: 2021-04-19. Review status: criteria provided, single submitter. Criteria: Ambry Variant Classification Scheme 2023. Collection method: clinical testing. Allele origin: germline.
Comment: The p.D1026A variant (also known as c.3077A>C), located in coding exon 4 of the MSH6 gene, results from an A to C substitution at nucleotide position 3077. The aspartic acid at codon 1026 is replaced by alanine, an amino acid with dissimilar properties. This amino acid position is highly conserved in available vertebrate species. In addition, this alteration is predicted to be deleterious by in silico analysis. Since supporting evidence is limited at this time, the clinical significance of this alteration remains unclear.

NM_000179.3(MSH6):c.3077A>C (p.Asp1026Ala)

Gene: MSH6 (mutS homolog 6; plus strand). Cytogenetic location: 2p16.3.
Variant type: single nucleotide variant.
Coding change: c.3077A>C on transcript NM_000179.3 (MANE Select); coding-DNA position 3077, A replaced by C.
Protein change: p.Asp1026Ala; replaces aspartic acid 1026 with alanine.
Molecular consequence: missense variant.
Genome position (GRCh38, 1-based): chr2:47,801,060, A>C. VCF-style: chr2-47801060-A-C. GRCh37 (hg19) VCF-style: chr2-48028199-A-C.
Other names: c.2687A>C, p.Asp896Ala (NM_001281492.2); c.2171A>C, p.Asp724Ala (NM_001281493.2, NM_001281494.2, NM_001406811.1 and 6 more transcripts); c.3173A>C, p.Asp1058Ala (NM_001406795.1, NM_001406802.1); c.3077A>C, p.Asp1026Ala (NM_001406796.1, NM_001406798.1, NM_001406800.1 and 2 more transcripts); c.2780A>C, p.Asp927Ala (NM_001406797.1, NM_001406801.1, NM_001406805.1 and 10 more transcripts); c.2552A>C, p.Asp851Ala (NM_001406799.1, NM_001406806.1, NM_001406807.1); c.2999A>C, p.Asp1000Ala (NM_001406804.1); c.3083A>C, p.Asp1028Ala (NM_001406813.1); and 2 more; short protein forms D1000A, D1028A, D724A, D970A, D927A, D1058A, D341A, D1026A.
Identifiers: ClinVar variation 1727316 (VCV001727316.2), dbSNP rs1287554667, ClinGen allele CA346756554.